The following is an entry in ClinVar:

NM_001080453.3(INTS1):c.1855G>T (p.Glu619Ter)

Gene: INTS1 (integrator complex subunit 1; minus strand). Cytogenetic location: 7p22.3.
Variant type: single nucleotide variant.
Coding change: c.1855G>T on transcript NM_001080453.3 (MANE Select); coding-DNA position 1855, G replaced by T.
Protein change: p.Glu619Ter; replaces glutamic acid 619 with a stop codon.
Molecular consequence: nonsense.
Genome position (GRCh38, 1-based): chr7:1,494,871, C>A on the plus strand (G>T on the coding strand, the complement: INTS1 is on the minus strand). VCF-style: chr7-1494871-C-A. GRCh37 (hg19) VCF-style: chr7-1534507-C-A.
Other names: short protein forms E619*.
Identifiers: ClinVar variation 977211 (VCV000977211.3), dbSNP rs1456894020, ClinGen allele CA366593017.

ClinVar aggregate classification (germline): Likely pathogenic (1 of 4 stars; one submission).

Allele frequency attached by ClinVar (database versions not stated): gnomAD exomes below 0.00001.
gnomAD v4.1: 6 of 1,565,666 alleles (0.00038%); highest among the groups gnomAD compares: Non-Finnish European, 0.00043%; no homozygotes.

Submission:

Greenwood Genetic Center Diagnostic Laboratories, Greenwood Genetic Center
Classification: Likely pathogenic. Last evaluated: 2020-07-28. Review status: criteria provided, single submitter. Criteria: ACMG Guidelines, 2015. Collection method: clinical testing. Allele origin: germline. Affected: yes.
Comment: PVS1, PM2